The following is an entry in ClinVar:

NM_001130965.3(SUN1):c.1398G>A (p.Ala466=)

Gene: SUN1 (Sad1 and UNC84 domain containing 1; plus strand). Cytogenetic location: 7p22.3.
Variant type: single nucleotide variant.
Coding change: c.1398G>A on transcript NM_001130965.3 (MANE Select); coding-DNA position 1398, G replaced by A.
Protein change: p.Ala466=; no amino-acid change (alanine 466 retained).
Molecular consequence: synonymous variant. On other transcripts: non-coding transcript variant (3).
Genome position (GRCh38, 1-based): chr7:857,831, G>A. VCF-style: chr7-857831-G-A. GRCh37 (hg19) VCF-style: chr7-897468-G-A.
Other names: p.Ala466=; c.1089G>A, p.Ala363= (NM_001171944.2); c.1398G>A, p.Ala466= (NM_001367633.1, NM_001367634.1, NM_001367653.1); c.1047G>A, p.Ala349= (NM_001367635.1); c.1638G>A, p.Ala546= (NM_001367636.1, NM_001367691.1); c.1506G>A, p.Ala502= (NM_001367638.1); c.939G>A, p.Ala313= (NM_001367639.1); c.1578G>A, p.Ala526= (NM_001367640.1); and 44 more.
Identifiers: ClinVar variation 706074 (VCV000706074.13), dbSNP rs752157539, ClinGen allele CA4112228.
Genomic context (GRCh38, chr7:857,831, plus strand): 5'-GGGAAGCGTATAGGCTGGGAGGCTTGTGTGTGACCCATTCTCACTGTTGGATTCCAGTGC[G>A]GTTGGTGAGCAGCTCCTGCCCACAGTCGAGCACCTCCAGCTGGAGCTGGATCAGCTAAAG-3'
Protein context (NP_001124437.1, residues 456-476): LEQTKQKTIS[Ala466=]VGEQLLPTVE

ClinVar aggregate classification (germline): Likely benign. Review status: criteria provided, multiple submitters, no conflicts (2 of 4 stars). 3 submissions from 3 submitters: Likely benign (2). 1 of the submissions does not count toward it. Last evaluated 2025-11-04.

Conditions:
SUN1-related disorder. Also called: SUN1-related condition.
Emery-Dreifuss muscular dystrophy (EDMD). Also called: Scapuloperoneal syndrome, X-linked (formerly); Humeroperoneal neuromuscular disease, (formerly). Identifiers: Orphanet 261, MedGen C0410189, MONDO:0016830.

Allele frequency attached by ClinVar (database versions not stated): TOPMed 0.00012; gnomAD 0.00013 and 0.00014; 1000 Genomes Project 30x 0.00047.
gnomAD v4.1: 216 of 1,578,944 alleles (0.014%); highest among the groups gnomAD compares: East Asian, 0.34%; 1 homozygote.

Submissions (3):

Labcorp Genetics (formerly Invitae), Labcorp
Classification: Likely benign for Emery-Dreifuss muscular dystrophy. Last evaluated: 2025-11-04. Review status: criteria provided, single submitter. Criteria: Invitae Variant Classification Sherloc (09022015). Collection method: clinical testing. Allele origin: germline.

Mayo Clinic Laboratories, Mayo Clinic
Classification: Likely benign. Last evaluated: 2025-07-31. Review status: criteria provided, single submitter. Criteria: ACMG Guidelines, 2015. Collection method: clinical testing. Allele origin: germline. Observed: 1 variant allele.

PreventionGenetics, part of Exact Sciences
Classification: Likely benign for SUN1-related condition. Last evaluated: 2019-08-29. Review status: no assertion criteria provided. Collection method: clinical testing. Allele origin: germline. Not counted in ClinVar's aggregate classification.
Comment: This variant is classified as likely benign based on ACMG/AMP sequence variant interpretation guidelines (Richards et al. 2015 PMID: 25741868, with internal and published modifications).